The following is an entry in ClinVar:

ClinVar aggregate classification (germline): Conflicting classifications of pathogenicity. Review status: criteria provided, conflicting classifications (1 of 4 stars). 4 submissions from 4 submitters: Uncertain significance (1); Likely benign (3). Last evaluated 2025-12-09.

Conditions:
Inborn genetic diseases. Identifiers: MedGen C0950123, MeSH D030342.
Usher syndrome type 2C. Also called: Usher syndrome, type 2B; USHER SYNDROME, TYPE IIC. Identifiers: Orphanet 231178, Orphanet 886, MedGen C2931213, MONDO:0011558, OMIM 605472.

Allele frequency attached by ClinVar (database versions not stated): gnomAD 0.00003; ESP Exome Variant Server 0.00008; TOPMed 0.00010.
gnomAD v4.1: 401 of 1,409,470 alleles (0.028%); highest among the groups gnomAD compares: Non-Finnish European, 0.036%; no homozygotes.

Submissions (4):

Labcorp Genetics (formerly Invitae), Labcorp
Classification: Likely benign. Last evaluated: 2025-12-09. Review status: criteria provided, single submitter. Criteria: Invitae Variant Classification Sherloc (09022015). Collection method: clinical testing. Allele origin: germline.

Ambry Genetics
Classification: Likely benign for Inborn genetic diseases. Last evaluated: 2024-04-29. Review status: criteria provided, single submitter. Criteria: Ambry Variant Classification Scheme 2023. Collection method: clinical testing. Allele origin: germline.

Laboratory for Molecular Medicine, Mass General Brigham Personalized Medicine
Classification: Likely benign. Last evaluated: 2018-02-13. Review status: criteria provided, single submitter. Criteria: LMM Criteria. Collection method: clinical testing. Allele origin: germline. Observed: 1 variant allele.
Comment: p.Met5667Val in exon 78 of ADGRV1: This variant is not expected to have clinical significance due to a lack of conservation across species. Of note, over 30 mam mals, including one primate, have a valine at this position despite high nearby amino acid conservation. In addition, computational prediction tools do not sugg est a high likelihood of impact to the protein. This variant has been identified in 12/95060 European chromosomes by the Genome Aggregation Database (gnomAD; dbSNP rs201767389). ACMG/AMP Criteria applied: B P4_Strong (Richards 2015).

Illumina Laboratory Services, Illumina
Classification: Uncertain significance for Usher syndrome type 2C. Last evaluated: 2018-01-13. Review status: criteria provided, single submitter. Criteria: ICSL Variant Classification Criteria 13 December 2019. Collection method: clinical testing. Allele origin: germline.

NM_032119.4(ADGRV1):c.16999A>G (p.Met5667Val)

Gene: ADGRV1 (adhesion G protein-coupled receptor V1; plus strand). Cytogenetic location: 5q14.3.
Variant type: single nucleotide variant.
Coding change: c.16999A>G on transcript NM_032119.4 (MANE Select); coding-DNA position 16999, A replaced by G.
Protein change: p.Met5667Val; replaces methionine 5667 with valine.
Molecular consequence: missense variant. On other transcripts: non-coding transcript variant (1).
Genome position (GRCh38, 1-based): chr5:90,840,965, A>G. VCF-style: chr5-90840965-A-G. GRCh37 (hg19) VCF-style: chr5-90136782-A-G.
Other names: short protein forms M5667V.
Identifiers: ClinVar variation 666642 (VCV000666642.15), dbSNP rs201767389, ClinGen allele CA3342264.